The following is an entry in ClinVar:

ClinVar aggregate classification (germline): Likely benign (1 of 4 stars; one submission).

Allele frequency attached by ClinVar (database versions not stated): 1000 Genomes Project 0.00799; 1000 Genomes Project 30x 0.00828; gnomAD 0.00855 and 0.00920; TOPMed 0.00979.
gnomAD v4.1: 1,293 of 152,164 alleles (0.85%); highest among the groups gnomAD compares: African/African-American, 2.9%; 20 homozygotes.

Submission:

GeneDx
Classification: Likely benign. Last evaluated: 2018-06-14. Review status: criteria provided, single submitter. Criteria: GeneDx Variant Classification (06012015). Collection method: clinical testing. Allele origin: germline. Affected: yes.
Comment: This variant is considered likely benign or benign based on one or more of the following criteria: it is a conservative change, it occurs at a poorly conserved position in the protein, it is predicted to be benign by multiple in silico algorithms, and/or has population frequency not consistent with disease.

NM_000093.5(COL5A1):c.4698+289C>T

Genes: COL5A1 (collagen type V alpha 1 chain; plus strand), LOC101448202 (uncharacterized LOC101448202; minus strand). Cytogenetic location: 9q34.3.
Variant type: single nucleotide variant.
Coding change: c.4698+289C>T on transcript NM_000093.5 (MANE Select); 289 bases into the intron after coding-DNA position 4698, C replaced by T.
Molecular consequence: intron variant.
Genome position (GRCh38, 1-based): chr9:134,823,758, C>T. VCF-style: chr9-134823758-C-T. GRCh37 (hg19) VCF-style: chr9-137715604-C-T.
Other names: c.4698+289C>T (NM_001278074.1).
Identifiers: ClinVar variation 673289 (VCV000673289.1), dbSNP rs115080537, ClinGen allele CA201099866.